The following is an entry in ClinVar:

NM_182961.4(SYNE1):c.19889A>G (p.His6630Arg)

Gene: SYNE1 (spectrin repeat containing nuclear envelope protein 1; minus strand). Cytogenetic location: 6q25.2.
Variant type: single nucleotide variant.
Coding change: c.19889A>G on transcript NM_182961.4 (MANE Select); coding-DNA position 19889, A replaced by G.
Protein change: p.His6630Arg; replaces histidine 6630 with arginine.
Molecular consequence: missense variant.
Genome position (GRCh38, 1-based): chr6:152,242,244, T>C on the plus strand (A>G on the coding strand, the complement: SYNE1 is on the minus strand). VCF-style: chr6-152242244-T-C. GRCh37 (hg19) VCF-style: chr6-152563379-T-C.
Other names: c.19676A>G, p.His6559Arg (NM_033071.5); short protein forms H6559R, H6630R.
Identifiers: ClinVar variation 5006981 (VCV005006981.2).

ClinVar aggregate classification (germline): Uncertain significance (1 of 4 stars; one submission).

Conditions:
Autosomal recessive ataxia, Beauce type. Also called: Spinocerebellar ataxia, autosomal recessive 8; SYNE1 Deficiency; ATAXIA, RECESSIVE, OF BEAUCE; SYNE1-Related Autosomal Recessive Cerebellar Ataxia. Identifiers: Orphanet 88644, MedGen C1853116, MONDO:0012549, OMIM 610743.
Arthrogryposis multiplex congenita 3, myogenic type. Also called: ARTHROGRYPOSIS MULTIPLEX CONGENITA, MYOGENIC TYPE. Identifiers: MedGen C5193121, MONDO:0032778, OMIM 618484.
Emery-Dreifuss muscular dystrophy 4, autosomal dominant (EDMD4). Also called: EMERY-DREIFUSS MUSCULAR DYSTROPHY 4 WITH VARIABLE FEATURES. Identifiers: Orphanet 261, MedGen C2751807, MONDO:0013071, OMIM 612998.

gnomAD v4.1: 1 of 1,613,756 alleles (0.000062%); highest among the groups gnomAD compares: African/African-American, 0.0013%; no homozygotes.

Submission:

Juno Genomics, Hangzhou Juno Genomics, Inc
Classification: Uncertain significance for Autosomal recessive ataxia, Beauce type; Arthrogryposis multiplex congenita 3, myogenic type; Emery-Dreifuss muscular dystrophy 4, autosomal dominant. Review status: criteria provided, single submitter. Criteria: ACMG Guidelines, 2015. Collection method: clinical testing. Allele origin: germline.
Comment: Absent from controls (or at extremely low frequency if recessive) in Genome Aggregation Database.;Missense variant in a gene that has a low rate of benign missense variation.